The following is an entry in ClinVar:

NM_001801.3(CDO1):c.440A>G (p.His147Arg)

Gene: CDO1 (cysteine dioxygenase type 1; minus strand). Cytogenetic location: 5q22.3.
Variant type: single nucleotide variant.
Coding change: c.440A>G on transcript NM_001801.3 (MANE Select); coding-DNA position 440, A replaced by G.
Protein change: p.His147Arg; replaces histidine 147 with arginine.
Molecular consequence: missense variant. On other transcripts: non-coding transcript variant (4).
Genome position (GRCh38, 1-based): chr5:115,806,482, T>C on the plus strand (A>G on the coding strand, the complement: CDO1 is on the minus strand). VCF-style: chr5-115806482-T-C. GRCh37 (hg19) VCF-style: chr5-115142179-T-C.
Other names: c.497A>G, p.His166Arg (NM_001323565.2); c.437A>G, p.His146Arg (NM_001323566.2); c.224A>G, p.His75Arg (NM_001323567.2); short protein forms H146R, H147R, H166R, H75R.
Identifiers: ClinVar variation 3340156 (VCV003340156.1).

ClinVar aggregate classification (germline): Uncertain significance (1 of 4 stars; one submission).

Submission:

GeneDx
Classification: Uncertain significance. Last evaluated: 2024-06-01. Review status: criteria provided, single submitter. Criteria: GeneDx Variant Classification Process June 2021. Collection method: clinical testing. Allele origin: germline. Affected: yes.
Comment: Not observed at significant frequency in large population cohorts (gnomAD); In silico analysis supports that this missense variant has a deleterious effect on protein structure/function; Has not been previously published as pathogenic or benign to our knowledge; Variants in candidate genes are classified as variants of uncertain significance in accordance with ACMG guidelines (PMID: 25741868)